The following is an entry in ClinVar:

ClinVar aggregate classification (germline): Uncertain significance (1 of 4 stars; one submission).

Conditions:
Familial adenomatous polyposis 1 (FAP1). Also called: FAMILIAL ADENOMATOUS POLYPOSIS 1, ATTENUATED; POLYPOSIS, ADENOMATOUS INTESTINAL. Identifiers: MedGen C2713442, MONDO:0021056, OMIM 175100. Disease mechanism: loss of function.

Submission:

Labcorp Genetics (formerly Invitae), Labcorp
Classification: Uncertain significance for Familial adenomatous polyposis 1. Last evaluated: 2023-04-23. Review status: criteria provided, single submitter. Criteria: Invitae Variant Classification Sherloc (09022015). Collection method: clinical testing. Allele origin: germline.
Comment: This variant occurs in a non-coding region of the APC gene. It does not change the encoded amino acid sequence of the APC protein. In summary, the available evidence is currently insufficient to determine the role of this variant in disease. Therefore, it has been classified as a Variant of Uncertain Significance. Experimental studies and prediction algorithms are not available or were not evaluated, and the functional significance of this variant is currently unknown. This variant has not been reported in the literature in individuals affected with APC-related conditions. This variant is not present in population databases (gnomAD no frequency).

NC_000005.10:g.112707449G>T

Gene: APC (APC regulator of Wnt signaling pathway; plus strand). Cytogenetic location: 5q22.2.
Variant type: single nucleotide variant.
Genome position: GRCh38 VCF-style: chr5-112707449-G-T. GRCh37 (hg19) VCF-style: chr5-112043146-G-T.
Identifiers: ClinVar variation 1512460 (VCV001512460.6), dbSNP rs1031191403, ClinGen allele CA2573138763.